The following is an entry in ClinVar:

ClinVar aggregate classification (germline): Pathogenic. Review status: no assertion criteria provided (0 of 4 stars). 2 submissions from 2 submitters: Pathogenic (2). Last evaluated 2012-08-01.

Conditions:
Weill-Marchesani syndrome 3 (WMS3). Also called: Weill-Marchesani syndrome 3, recessive; LTBP2-Related Weill-Marchesani Syndrome. Identifiers: Orphanet 3449, MedGen C3553785, MONDO:0013899, OMIM 614819.
Weill-Marchesani syndrome 1 (WMS1). Also called: Weill-Marchesani Syndrome, Autosomal Recessive; ADAMTS10-Related Weill-Marchesani Syndrome; Weill-Marchesani syndrome 1, recessive. Identifiers: Orphanet 3449, MedGen C4552002, MONDO:0010194, OMIM 277600.

Submissions (2):

OMIM
Classification: Pathogenic for WEILL-MARCHESANI SYNDROME 3 (1 family). Last evaluated: 2012-08-01. Review status: no assertion criteria provided. Collection method: literature only. Allele origin: germline.

Elahi Laboratory, University of Tehran
Classification: Pathogenic for Weill-Marchesani syndrome 1. Review status: no assertion criteria provided. Collection method: not provided. Allele origin: unknown.
ClinVar note: Converted during submission from pathogenic to Pathogenic.

Literature cited by the submitters: PubMed 22539340 (cited by OMIM).

NM_000428.3(LTBP2):c.3529G>A (p.Val1177Met)

Gene: LTBP2 (latent transforming growth factor beta binding protein 2; minus strand). Cytogenetic location: 14q24.3.
Variant type: single nucleotide variant.
Coding change: c.3529G>A on transcript NM_000428.3 (MANE Select); coding-DNA position 3529, G replaced by A.
Protein change: p.Val1177Met; replaces valine 1177 with methionine.
Molecular consequence: missense variant.
Genome position (GRCh38, 1-based): chr14:74,508,727, C>T on the plus strand (G>A on the coding strand, the complement: LTBP2 is on the minus strand). VCF-style: chr14-74508727-C-T. GRCh37 (hg19) VCF-style: chr14-74975430-C-T.
Other names: short protein forms V1177M.
Identifiers: ClinVar variation 37093 (VCV000037093.4), dbSNP rs137854856, ClinGen allele CA260587.